The following is an entry in ClinVar:

ClinVar aggregate classification (germline): Uncertain significance (1 of 4 stars; one submission).

gnomAD v4.1: 4 of 1,594,418 alleles (0.00025%); highest among the groups gnomAD compares: Non-Finnish European, 0.00034%; no homozygotes.

Submission:

Labcorp Genetics (formerly Invitae), Labcorp
Classification: Uncertain significance. Last evaluated: 2025-04-08. Review status: criteria provided, single submitter. Criteria: Invitae Variant Classification Sherloc (09022015). Collection method: clinical testing. Allele origin: germline.
Comment: This sequence change replaces alanine, which is neutral and non-polar, with valine, which is neutral and non-polar, at codon 397 of the GATA5 protein (p.Ala397Val). This variant is not present in population databases (gnomAD no frequency). This variant has not been reported in the literature in individuals affected with GATA5-related conditions. An algorithm developed to predict the effect of missense changes on protein structure and function (PolyPhen-2) suggests that this variant is likely to be disruptive. In summary, the available evidence is currently insufficient to determine the role of this variant in disease. Therefore, it has been classified as a Variant of Uncertain Significance.

NM_080473.5(GATA5):c.1190C>T (p.Ala397Val)

Gene: GATA5 (GATA binding protein 5; minus strand). Cytogenetic location: 20q13.33.
Variant type: single nucleotide variant.
Coding change: c.1190C>T on transcript NM_080473.5 (MANE Select); coding-DNA position 1190, C replaced by T.
Protein change: p.Ala397Val; replaces alanine 397 with valine.
Molecular consequence: missense variant.
Genome position (GRCh38, 1-based): chr20:62,464,840, G>A on the plus strand (C>T on the coding strand, the complement: GATA5 is on the minus strand). VCF-style: chr20-62464840-G-A. GRCh37 (hg19) VCF-style: chr20-61039896-G-A.
Other names: short protein forms A397V.
Identifiers: ClinVar variation 4704102 (VCV004704102.1).